The following is an entry in ClinVar:

ClinVar aggregate classification (germline): Uncertain significance. Review status: criteria provided, multiple submitters, no conflicts (2 of 4 stars). 3 submissions from 3 submitters: Uncertain significance (3). Last evaluated 2025-01-14.

Conditions:
Fanconi anemia (FA). Also called: Fanconi's anemia. Identifiers: Orphanet 84, MedGen C0015625, MeSH D005199, MONDO:0019391.
Inborn genetic diseases. Identifiers: MedGen C0950123, MeSH D030342.

Allele frequency attached by ClinVar (database versions not stated): gnomAD exomes below 0.00001.
gnomAD v4.1: 2 of 1,612,730 alleles (0.00012%); highest among the groups gnomAD compares: Non-Finnish European, 0.00017%; no homozygotes.

Submissions (3):

Ambry Genetics
Classification: Uncertain significance for Inborn genetic diseases. Last evaluated: 2025-01-14. Review status: criteria provided, single submitter. Criteria: Ambry Variant Classification Scheme 2023. Collection method: clinical testing. Allele origin: germline.
Comment: The p.D631V variant (also known as c.1892A>T), located in coding exon 11 of the FANCM gene, results from an A to T substitution at nucleotide position 1892. The aspartic acid at codon 631 is replaced by valine, an amino acid with highly dissimilar properties. This amino acid position is conserved. In addition, this alteration is predicted to be tolerated by in silico analysis. Based on the available evidence, the clinical significance of this variant remains unclear.

GeneDx
Classification: Uncertain significance. Last evaluated: 2024-01-31. Review status: criteria provided, single submitter. Criteria: GeneDx Variant Classification Process June 2021. Collection method: clinical testing. Allele origin: germline. Affected: yes.
Comment: Not observed at significant frequency in large population cohorts (gnomAD); In silico analysis supports that this missense variant has a deleterious effect on protein structure/function; Has not been previously published as pathogenic or benign to our knowledge

Labcorp Genetics (formerly Invitae), Labcorp
Classification: Uncertain significance for Fanconi anemia. Last evaluated: 2022-08-04. Review status: criteria provided, single submitter. Criteria: Invitae Variant Classification Sherloc (09022015). Collection method: clinical testing. Allele origin: germline.
Comment: This sequence change replaces aspartic acid, which is acidic and polar, with valine, which is neutral and non-polar, at codon 631 of the FANCM protein (p.Asp631Val). In summary, the available evidence is currently insufficient to determine the role of this variant in disease. Therefore, it has been classified as a Variant of Uncertain Significance. Algorithms developed to predict the effect of missense changes on protein structure and function output the following: SIFT: "Deleterious"; PolyPhen-2: "Benign"; Align-GVGD: "Class C0". The valine amino acid residue is found in multiple mammalian species, which suggests that this missense change does not adversely affect protein function. This variant has not been reported in the literature in individuals affected with FANCM-related conditions. This variant is not present in population databases (gnomAD no frequency).

NM_020937.4(FANCM):c.1892A>T (p.Asp631Val)

Gene: FANCM (FA complementation group M; plus strand). Cytogenetic location: 14q21.2.
Variant type: single nucleotide variant.
Coding change: c.1892A>T on transcript NM_020937.4 (MANE Select); coding-DNA position 1892, A replaced by T.
Protein change: p.Asp631Val; replaces aspartic acid 631 with valine.
Molecular consequence: missense variant.
Genome position (GRCh38, 1-based): chr14:45,167,053, A>T. VCF-style: chr14-45167053-A-T. GRCh37 (hg19) VCF-style: chr14-45636256-A-T.
Other names: c.1814A>T, p.Asp605Val (NM_001308133.2); c.1892A>T, p.Asp631Val (NM_001308134.2); short protein forms D631V, D605V.
Identifiers: ClinVar variation 2058828 (VCV002058828.6), dbSNP rs753713103, ClinGen allele CA389594999.